The following is an entry in ClinVar:

ClinVar aggregate classification (germline): Conflicting classifications of pathogenicity. Review status: criteria provided, conflicting classifications (1 of 4 stars). 5 submissions from 5 submitters: Uncertain significance (3); Likely benign (1). 1 of the submissions does not count toward it. Last evaluated 2025-12-18.

Conditions:
Hereditary cancer-predisposing syndrome. Also called: Tumor predisposition; Neoplastic Syndromes, Hereditary; Hereditary Cancer Syndrome; Hereditary neoplastic syndrome. Identifiers: Orphanet 140162, MedGen C0027672, MeSH D009386, MONDO:0015356.
Hereditary breast ovarian cancer syndrome. Also called: Hereditary breast and ovarian cancer syndrome (HBOC); Hereditary breast and ovarian cancer syndrome; Hereditary breast and ovarian cancer; Hereditary breast and/or ovarian cancer syndrome; Breast and ovarian cancer; BRCA1- and BRCA2-Associated Hereditary Breast and Ovarian Cancer. Identifiers: Orphanet 145, MedGen C0677776, MeSH D061325, MONDO:0003582. Disease mechanism: loss of function.
Breast-ovarian cancer, familial, susceptibility to, 1 (BROVCA1). Also called: OVARIAN CANCER, SUSCEPTIBILITY TO; BRCA1 Hereditary Breast and Ovarian Cancer. Identifiers: Orphanet 145, MedGen C2676676, MONDO:0011450, OMIM 604370. Disease mechanism: loss of function.

Submissions (5):

Labcorp Genetics (formerly Invitae), Labcorp
Classification: Uncertain significance for Hereditary breast ovarian cancer syndrome. Last evaluated: 2025-12-18. Review status: criteria provided, single submitter. Criteria: Invitae Variant Classification Sherloc (09022015). Collection method: clinical testing. Allele origin: germline.
Comment: This sequence change replaces lysine, which is basic and polar, with glutamine, which is neutral and polar, at codon 893 of the BRCA1 protein (p.Lys893Gln). This variant is not present in population databases (gnomAD no frequency). This missense change has been observed in individual(s) with clinical features of BRCA1-related conditions (PMID: 10923033). ClinVar contains an entry for this variant (Variation ID: 54640). Invitae Evidence Modeling of protein sequence and biophysical properties (such as structural, functional, and spatial information, amino acid conservation, physicochemical variation, residue mobility, and thermodynamic stability) indicates that this missense variant is not expected to disrupt BRCA1 protein function with a negative predictive value of 80%. In summary, the available evidence is currently insufficient to determine the role of this variant in disease. Therefore, it has been classified as a Variant of Uncertain Significance.

Color Diagnostics, LLC DBA Color Health
Classification: Uncertain significance for Hereditary cancer-predisposing syndrome. Last evaluated: 2025-02-18. Review status: criteria provided, single submitter. Criteria: ACMG Guidelines, 2015. Collection method: clinical testing. Allele origin: germline.
Comment: This missense variant replaces lysine with glutamine at codon 893 of the BRCA1 protein. Computational prediction suggests that this variant may not impact protein structure and function. To our knowledge, functional studies have not been reported for this variant. A multifactorial analysis has reported likihood ratios for pathogenicity of 1.033 and 0.822 based on co-occurrence with a pathogenic variant and family history, respectively (PMID: 31131967). This variant has not been identified in the general population by the Genome Aggregation Database (gnomAD). The available evidence is insufficient to determine the role of this variant in disease conclusively. Therefore, this variant is classified as a Variant of Uncertain Significance.

University of Washington Department of Laboratory Medicine, University of Washington
Classification: Likely benign for Hereditary cancer-predisposing syndrome. Last evaluated: 2023-03-23. Review status: criteria provided, single submitter. Criteria: Dines et al. (Genet Med. 2020). Collection method: curation. Allele origin: germline.
Comment: Missense variant in a coldspot region where missense variants are very unlikely to be pathogenic (PMID:31911673).

BRCA1 coldspot (exon 11 using historical exon numbering). Reclassification based on statistical prior probability

Quest Diagnostics Nichols Institute San Juan Capistrano
Classification: Uncertain significance. Last evaluated: 2019-10-06. Review status: criteria provided, single submitter. Criteria: Quest Diagnostics criteria. Collection method: clinical testing. Allele origin: unknown.

Breast Cancer Information Core (BIC) (BRCA1)
Classification: Uncertain significance for Breast-ovarian cancer, familial 1. Last evaluated: 2004-11-25. Review status: no assertion criteria provided. Collection method: clinical testing. Allele origin: germline. Affected: yes. Observed: 1 variant allele. Not counted in ClinVar's aggregate classification.

Literature cited by the submitters: PubMed 10923033 (cited by Labcorp Genetics (formerly Invitae), Labcorp); PubMed 31131967 (cited by Color Diagnostics, LLC DBA Color Health).

NM_007294.4(BRCA1):c.2677A>C (p.Lys893Gln)

Gene: BRCA1 (BRCA1 DNA repair associated; minus strand). Cytogenetic location: 17q21.31.
Variant type: single nucleotide variant.
Coding change: c.2677A>C on transcript NM_007294.4 (MANE Select); coding-DNA position 2677, A replaced by C.
Protein change: p.Lys893Gln; replaces lysine 893 with glutamine.
Molecular consequence: missense variant. On other transcripts: intron variant (137).
Genome position (GRCh38, 1-based): chr17:43,092,854, T>G on the plus strand (A>C on the coding strand, the complement: BRCA1 is on the minus strand). VCF-style: chr17-43092854-T-G. GRCh37 (hg19) VCF-style: chr17-41244871-T-G.
Other names: c.2464A>C, p.Lys822Gln (NM_001407571.1, NM_001407853.1, NM_001407894.1 and 9 more transcripts); c.2677A>C, p.Lys893Gln (NM_001407581.1, NM_001407582.1, NM_001407583.1 and 30 more transcripts); c.2674A>C, p.Lys892Gln (NM_001407587.1, NM_001407590.1, NM_001407591.1 and 22 more transcripts); c.2668A>C, p.Lys890Gln (NM_001407646.1, NM_001407647.1); c.2554A>C, p.Lys852Gln (NM_001407648.1, NM_001407664.1, NM_001407665.1 and 19 more transcripts); c.2551A>C, p.Lys851Gln (NM_001407649.1, NM_001407670.1, NM_001407671.1 and 11 more transcripts); c.2599A>C, p.Lys867Gln (NM_001407653.1, NM_001407654.1, NM_001407655.1 and 4 more transcripts); c.2596A>C, p.Lys866Gln (NM_001407659.1, NM_001407660.1, NM_001407661.1 and 1 more transcripts); and 41 more; short protein forms K893Q, K846Q, K597Q, K826Q, K845Q, K892Q, K823Q, K825Q.
Identifiers: ClinVar variation 54640 (VCV000054640.16), dbSNP rs80357170, ClinGen allele CA001753.